The following is an entry in ClinVar:

ClinVar aggregate classification (germline): Pathogenic. Review status: criteria provided, multiple submitters, no conflicts (2 of 4 stars). 3 submissions from 3 submitters: Pathogenic (2). 1 of the submissions does not count toward it. Last evaluated 2025-09-19.

Conditions:
Nager syndrome (AFD1). Also called: MANDIBULOFACIAL DYSOSTOSIS, TREACHER COLLINS TYPE, WITH LIMB ANOMALIES; Nager acrofacial dysostosis; Nager acrofacial dysostosis syndrome; Acrofacial Dysostosis 1, Nager Type. Identifiers: Orphanet 245, MedGen C0265245, MONDO:0007943, OMIM 154400.

Submissions (3):

GeneDx
Classification: Pathogenic. Last evaluated: 2025-09-19. Review status: criteria provided, single submitter. Criteria: GeneDx Variant Classification Process June 2021. Collection method: clinical testing. Allele origin: germline. Affected: yes.
Comment: Nonsense variant predicted to result in protein truncation or nonsense mediated decay in a gene for which loss of function is a known mechanism of disease; Not observed at significant frequency in large population cohorts (gnomAD); This variant is associated with the following publications: (PMID: 23568615)

Labcorp Genetics (formerly Invitae), Labcorp
Classification: Pathogenic. Last evaluated: 2019-09-19. Review status: criteria provided, single submitter. Criteria: Invitae Variant Classification Sherloc (09022015). Collection method: clinical testing. Allele origin: germline.
Comment: This variant has been observed in an individual affected with Nager syndrome (PMID: 23568615). ClinVar contains an entry for this variant (Variation ID: 65407). This variant is not present in population databases (ExAC no frequency). This sequence change creates a premature translational stop signal (p.Arg336*) in the SF3B4 gene. It is expected to result in an absent or disrupted protein product. Loss-of-function variants in SF3B4 are known to be pathogenic (PMID: 22541558, 23568615). For these reasons, this variant has been classified as Pathogenic.

OMIM
Classification: Pathogenic for ACROFACIAL DYSOSTOSIS 1, NAGER TYPE. Last evaluated: 2013-08-01. Review status: no assertion criteria provided. Collection method: literature only. Allele origin: germline. Not counted in ClinVar's aggregate classification.

Literature cited by the submitters: PubMed 23568615 (cited by Labcorp Genetics (formerly Invitae), Labcorp and OMIM); PubMed 22541558 (cited by Labcorp Genetics (formerly Invitae), Labcorp and OMIM).

NM_005850.5(SF3B4):c.1006C>T (p.Arg336Ter)

Gene: SF3B4 (splicing factor 3b subunit 4; minus strand). Cytogenetic location: 1q21.2.
Variant type: single nucleotide variant.
Coding change: c.1006C>T on transcript NM_005850.5 (MANE Select); coding-DNA position 1006, C replaced by T.
Protein change: p.Arg336Ter; replaces arginine 336 with a stop codon.
Molecular consequence: nonsense.
Genome position (GRCh38, 1-based): chr1:149,923,922, G>A on the plus strand (C>T on the coding strand, the complement: SF3B4 is on the minus strand). VCF-style: chr1-149923922-G-A. GRCh37 (hg19) VCF-style: chr1-149895814-G-A.
Other names: short protein forms R336*.
Identifiers: ClinVar variation 65407 (VCV000065407.13), dbSNP rs397515324, ClinGen allele CA144771.